The following is an entry in ClinVar:

ClinVar aggregate classification (germline): Uncertain significance (1 of 4 stars; one submission).

Submission:

Labcorp Genetics (formerly Invitae), Labcorp
Classification: Uncertain significance. Last evaluated: 2025-11-05. Review status: criteria provided, single submitter. Criteria: Invitae Variant Classification Sherloc (09022015). Collection method: clinical testing. Allele origin: germline.
Comment: This sequence change falls in intron 7 of the LZTR1 gene. It does not directly change the encoded amino acid sequence of the LZTR1 protein. This variant is not present in population databases (gnomAD no frequency). This variant has not been reported in the literature in individuals affected with LZTR1-related conditions. ClinVar contains an entry for this variant (Variation ID: 3691823). Experimental studies and prediction algorithms are not available or were not evaluated, and the effect of this variant on mRNA splicing is currently unknown. In summary, the available evidence is currently insufficient to determine the role of this variant in disease. Therefore, it has been classified as a Variant of Uncertain Significance.

NM_006767.4(LZTR1):c.651+30_651+31insGGAGGAGGTGAGGGGCATGGGGAGACAGGGTGCAGGTGGAGGAGGTGAGGGGCATGGGGAGACAGGGTGCAGGTGGAGGAGGTGAGGGGCATGGGGAGCCAGGGCGCAGGT

Gene: LZTR1 (leucine zipper like post translational regulator 1; plus strand). Cytogenetic location: 22q11.21.
Variant type: Insertion.
Coding change: c.651+30_651+31insGGAGGAGGTGAGGGGCATGGGGAGACAGGGTGCAGGTGGAGGAGGTGAGGGGCATGGGGAGACAGGGTGCAGGTGGAGGAGGTGAGGGGCATGGGGAGCCAGGGCGCAGGT on transcript NM_006767.4 (MANE Select); bases 30 to 31 of the intron after coding-DNA position 651, GGAGGAGGTGAGGGGCATGGGGAGACAGGGTGCAGGTGGAGGAGGTGAGGGGCATGGGGAGACAGGGTGCAGGTGGAGGAGGTGAGGGGCATGGGGAGCCAGGGCGCAGGT inserted.
Molecular consequence: intron variant.
Genome position: GRCh38: chr22:20,989,712-20,989,713. GRCh37 (hg19): chr22:21,344,001-21,344,002.
Identifiers: ClinVar variation 3691823 (VCV003691823.2).